The following is an entry in ClinVar:

NM_000430.4(PAFAH1B1):c.957_961delinsATCTTAAT (p.Ile320_Lys321delinsSerTer)

Gene: PAFAH1B1 (platelet activating factor acetylhydrolase 1b regulatory subunit 1; plus strand). Cytogenetic location: 17p13.3.
Variant type: Indel.
Coding change: c.957_961delinsATCTTAAT on transcript NM_000430.4 (MANE Select); coding-DNA positions 957 to 961, TATTA replaced by ATCTTAAT.
Protein change: p.Ile320_Lys321delinsSerTer.
Molecular consequence: nonsense.
Genome position (GRCh38, 1-based): chr17:2,676,561-2,676,565, TATTA replaced by ATCTTAAT. VCF-style: chr17-2676561-TATTA-ATCTTAAT. GRCh37 (hg19) VCF-style: chr17-2579855-TATTA-ATCTTAAT.
Identifiers: ClinVar variation 419614 (VCV000419614.2), dbSNP rs1064793990, ClinGen allele CA16620348.

ClinVar aggregate classification (germline): Pathogenic (1 of 4 stars; one submission).

Submission:

GeneDx
Classification: Pathogenic. Last evaluated: 2015-08-13. Review status: criteria provided, single submitter. Criteria: GeneDx Variant Classification (06012015). Collection method: clinical testing. Allele origin: germline. Affected: yes.
Comment: The c.957_961delTATTAinsATCTTAAT variant in the PAFAH1B1 gene causes a frameshift starting withcodon Isoleucine 320, changes this amino acid to a Serine residue and creates a premature Stop codon atposition 2 of the new reading frame, denoted p.Ile320SerfsX2. This variant is predicted to cause loss ofnormal protein function either through protein truncation or nonsense-mediated mRNA decay. Although thisvariant has not been previously reported to our knowledge, we consider it to be pathogenic.